The following is an entry in ClinVar:

NM_001430.5(EPAS1):c.1192G>A (p.Glu398Lys)

Gene: EPAS1 (endothelial PAS domain protein 1; plus strand). Cytogenetic location: 2p21.
Variant type: single nucleotide variant.
Coding change: c.1192G>A on transcript NM_001430.5 (MANE Select); coding-DNA position 1192, G replaced by A.
Protein change: p.Glu398Lys; replaces glutamic acid 398 with lysine.
Molecular consequence: missense variant.
Genome position (GRCh38, 1-based): chr2:46,376,696, G>A. VCF-style: chr2-46376696-G-A. GRCh37 (hg19) VCF-style: chr2-46603835-G-A.
Other names: c.1192G>A (NM_001430.4); short protein forms E398K.
Identifiers: ClinVar variation 1950294 (VCV001950294.6), dbSNP rs1283870670, ClinGen allele CA346703386.

ClinVar aggregate classification (germline): Uncertain significance. Review status: criteria provided, multiple submitters, no conflicts (2 of 4 stars). 2 submissions from 2 submitters: Uncertain significance (2). Last evaluated 2025-08-07.

Conditions:
Inborn genetic diseases. Identifiers: MedGen C0950123, MeSH D030342.

Allele frequency attached by ClinVar (database versions not stated): gnomAD 0.00001; TOPMed 0.00001.
gnomAD v4.1: 13 of 1,613,532 alleles (0.00081%); highest among the groups gnomAD compares: East Asian, 0.0045%; no homozygotes.

Submissions (2):

Ambry Genetics
Classification: Uncertain significance for Inborn genetic diseases. Last evaluated: 2025-08-07. Review status: criteria provided, single submitter. Criteria: Ambry Variant Classification Scheme 2023. Collection method: clinical testing. Allele origin: germline.

Labcorp Genetics (formerly Invitae), Labcorp
Classification: Uncertain significance. Last evaluated: 2022-10-22. Review status: criteria provided, single submitter. Criteria: Invitae Variant Classification Sherloc (09022015). Collection method: clinical testing. Allele origin: germline.
Comment: This sequence change replaces glutamic acid, which is acidic and polar, with lysine, which is basic and polar, at codon 398 of the EPAS1 protein (p.Glu398Lys). This variant is present in population databases (no rsID available, gnomAD 0.003%). This variant has not been reported in the literature in individuals affected with EPAS1-related conditions. Algorithms developed to predict the effect of missense changes on protein structure and function are either unavailable or do not agree on the potential impact of this missense change (SIFT: "Tolerated"; PolyPhen-2: "Probably Damaging"; Align-GVGD: "Class C0"). In summary, the available evidence is currently insufficient to determine the role of this variant in disease. Therefore, it has been classified as a Variant of Uncertain Significance.